The following is an entry in ClinVar:

ClinVar aggregate classification (germline): Uncertain significance. Review status: criteria provided, single submitter (1 of 4 stars). 2 submissions from 2 submitters: Uncertain significance (1). 1 of the submissions does not count toward it. Last evaluated 2024-04-29.

Conditions:
Baller-Gerold syndrome (BGS). Also called: CRANIOSYNOSTOSIS WITH RADIAL DEFECTS. Identifiers: Orphanet 1225, MedGen C0265308, MONDO:0009039, OMIM 218600.

Allele frequency attached by ClinVar (database versions not stated): gnomAD exomes 0.00001; TOPMed 0.00002; ExAC 0.00003; gnomAD 0.00003.
gnomAD v4.1: 29 of 1,578,402 alleles (0.0018%); highest among the groups gnomAD compares: Middle Eastern, 0.017%; no homozygotes.

Submissions (2):

Labcorp Genetics (formerly Invitae), Labcorp
Classification: Uncertain significance for Baller-Gerold syndrome. Last evaluated: 2024-04-29. Review status: criteria provided, single submitter. Criteria: Invitae Variant Classification Sherloc (09022015). Collection method: clinical testing. Allele origin: germline.
Comment: This sequence change replaces alanine, which is neutral and non-polar, with valine, which is neutral and non-polar, at codon 472 of the RECQL4 protein (p.Ala472Val). The frequency data for this variant in the population databases is considered unreliable, as metrics indicate poor data quality at this position in the gnomAD database. This variant has not been reported in the literature in individuals affected with RECQL4-related conditions. ClinVar contains an entry for this variant (Variation ID: 135171). Advanced modeling of protein sequence and biophysical properties (such as structural, functional, and spatial information, amino acid conservation, physicochemical variation, residue mobility, and thermodynamic stability) performed at Invitae indicates that this missense variant is not expected to disrupt RECQL4 protein function with a negative predictive value of 80%. In summary, the available evidence is currently insufficient to determine the role of this variant in disease. Therefore, it has been classified as a Variant of Uncertain Significance.

ITMI
No classification provided. Condition: AllHighlyPenetrant. Last evaluated: 2013-09-19. Review status: no classification provided. Collection method: reference population. Allele origin: germline. Not counted in ClinVar's aggregate classification.
Comment: Please see associated publication for description of ethnicities

Literature cited by the submitters: PubMed 24728327 (cited by ITMI).

NM_004260.4(RECQL4):c.1415C>T (p.Ala472Val)

Gene: RECQL4 (RecQ like helicase 4; minus strand). Cytogenetic location: 8q24.3.
Variant type: single nucleotide variant.
Coding change: c.1415C>T on transcript NM_004260.4 (MANE Select); coding-DNA position 1415, C replaced by T.
Protein change: p.Ala472Val; replaces alanine 472 with valine.
Molecular consequence: missense variant.
Genome position (GRCh38, 1-based): chr8:144,515,218, G>A on the plus strand (C>T on the coding strand, the complement: RECQL4 is on the minus strand). VCF-style: chr8-144515218-G-A. GRCh37 (hg19) VCF-style: chr8-145740602-G-A.
Other names: short protein forms A472V.
Identifiers: ClinVar variation 135171 (VCV000135171.10), dbSNP rs587778653, ClinGen allele CA161898.